The following is an entry in ClinVar:

ClinVar aggregate classification (germline): Likely pathogenic (1 of 4 stars; one submission).

Conditions:
CFTR-related disorder (CFTR-RD). Also called: CFTR-related disorders; CFTR-related condition. Identifiers: MedGen C5924204, MONDO:7770004.

Submission:

Natera, Inc.
Classification: Likely pathogenic for CFTR-related disorders. Last evaluated: 2025-10-29. Review status: criteria provided, single submitter. Criteria: Natera Variant Classification Schema (03/2026). Collection method: clinical testing. Allele origin: germline.
Comment: The c.1354_1355dup variant in CFTR is a frameshift variant predicted to shift the reading frame beginning at codon 452 and leads to a stop codon 18 codons downstream. This variant is expected to result in nonsense mediated decay, truncation, or a dysfunctional protein product. This variant is rare in the general population with a frequency below the threshold expected for the associated phenotype(s). Given the available evidence, this variant is classified as Likely Pathogenic.

NM_000492.4(CFTR):c.1354_1355dup (p.Gln452fs)

Genes: CFTR (CF transmembrane conductance regulator; plus strand), CFTR-AS1 (CFTR antisense RNA 1; minus strand). Cytogenetic location: 7q31.2.
Variant type: Duplication.
Coding change: c.1354_1355dup on transcript NM_000492.4 (MANE Select); coding-DNA positions 1354 to 1355, 2 bases duplicated (CA; older notation c.1354_1355dupCA).
Protein change: p.Gln452fs; shifts the reading frame from glutamine 452.
Molecular consequence: frameshift variant.
Genome position (GRCh38, 1-based): chr7:117,548,785-117,548,786, CA duplicated; duplicating any 2 consecutive bases within chr7:117,548,784-117,548,786 gives the same sequence; the c. name uses the placement nearest the transcript's 3' end. VCF-style (leftmost placement, unchanged base first): chr7-117548783-G-GAC. GRCh37 (hg19) VCF-style: chr7-117188837-G-GAC.
Other names: short protein forms Q452fs.
Identifiers: ClinVar variation 4818468 (VCV004818468.1).